The following is an entry in ClinVar:

NM_025114.4(CEP290):c.1910-18A>G

Gene: CEP290 (centrosomal protein 290; minus strand). Cytogenetic location: 12q21.32.
Variant type: single nucleotide variant.
Coding change: c.1910-18A>G on transcript NM_025114.4 (MANE Select); 18 bases into the intron before coding-DNA position 1910, A replaced by G.
Molecular consequence: intron variant.
Genome position (GRCh38, 1-based): chr12:88,114,580, T>C on the plus strand (A>G on the coding strand, the complement: CEP290 is on the minus strand). VCF-style: chr12-88114580-T-C. GRCh37 (hg19) VCF-style: chr12-88508357-T-C.
Identifiers: ClinVar variation 4993316 (VCV004993316.1).

ClinVar aggregate classification (germline): Uncertain significance (1 of 4 stars; one submission).

Conditions:
CEP290-related disorder. Also called: CEP290-related disorders; CEP290-related condition. Identifiers: MedGen CN239314.

gnomAD v4.1: 1 of 1,520,858 alleles (0.000066%); highest among the groups gnomAD compares: Admixed American, 0.0022%; no homozygotes.

Submission:

PreventionGenetics, part of Exact Sciences
Classification: Uncertain significance for CEP290-related condition. Last evaluated: 2026-09-04. Review status: criteria provided, single submitter. Criteria: ACMG Guidelines, 2015. Collection method: clinical testing. Allele origin: germline.
Comment: The CEP290 c.1910-18A>G variant is predicted to interfere with splicing. To our knowledge, this variant has not been reported in the literature or in a large population database (gnomAD), indicating this variant is rare. However, the use of computer prediction programs is not equivalent to functional evidence, and therefore the clinical significance of this variant is uncertain.